The following is an entry in ClinVar:

NM_014476.6(PDLIM3):c.511G>A (p.Ala171Thr)

Gene: PDLIM3 (PDZ and LIM domain 3; minus strand). Cytogenetic location: 4q35.1.
Variant type: single nucleotide variant.
Coding change: c.511G>A on transcript NM_014476.6 (MANE Select); coding-DNA position 511, G replaced by A.
Protein change: p.Ala171Thr; replaces alanine 171 with threonine.
Molecular consequence: missense variant. On other transcripts: intron variant (3).
Genome position (GRCh38, 1-based): chr4:185,508,450, C>T on the plus strand (G>A on the coding strand, the complement: PDLIM3 is on the minus strand). VCF-style: chr4-185508450-C-T. GRCh37 (hg19) VCF-style: chr4-186429604-C-T.
Other names: c.511G>A (NM_014476.4); c.162-1798G>A (NM_001257963.2); c.399-1798G>A (NM_001257962.2); c.519-1798G>A (NM_001114107.5); short protein forms A171T.
Identifiers: ClinVar variation 240915 (VCV000240915.11), dbSNP rs878854982, ClinGen allele CA10582224.

ClinVar aggregate classification (germline): Uncertain significance. Review status: criteria provided, multiple submitters, no conflicts (2 of 4 stars). 2 submissions from 2 submitters: Uncertain significance (2). Last evaluated 2024-12-06.

Conditions:
Primary dilated cardiomyopathy (DCM). Also called: Dilated Cardiomyopathy. Identifiers: Orphanet 217604, MedGen C0007193, MeSH D002311, MONDO:0005021, HP:0001644. Inheritance: Various modes of inheritance.
Hypertrophic cardiomyopathy. Also called: HYPERTROPHIC MYOCARDIOPATHY. Identifiers: Orphanet 217569, MedGen C0007194, MeSH D002312, MONDO:0005045, HP:0001639.

Allele frequency attached by ClinVar (database versions not stated): gnomAD exomes below 0.00001 and 0.00001; TOPMed below 0.00001; gnomAD 0.00001.

Submissions (2):

Labcorp Genetics (formerly Invitae), Labcorp
Classification: Uncertain significance for Hypertrophic cardiomyopathy; Primary dilated cardiomyopathy. Last evaluated: 2024-12-06. Review status: criteria provided, single submitter. Criteria: Invitae Variant Classification Sherloc (09022015). Collection method: clinical testing. Allele origin: germline.
Comment: This sequence change replaces alanine, which is neutral and non-polar, with threonine, which is neutral and polar, at codon 171 of the PDLIM3 protein (p.Ala171Thr). This variant is present in population databases (no rsID available, gnomAD 0.004%). This variant has not been reported in the literature in individuals affected with PDLIM3-related conditions. ClinVar contains an entry for this variant (Variation ID: 240915). Invitae Evidence Modeling of protein sequence and biophysical properties (such as structural, functional, and spatial information, amino acid conservation, physicochemical variation, residue mobility, and thermodynamic stability) indicates that this missense variant is not expected to disrupt PDLIM3 protein function with a negative predictive value of 80%. In summary, the available evidence is currently insufficient to determine the role of this variant in disease. Therefore, it has been classified as a Variant of Uncertain Significance.

Ambry Genetics
Classification: Uncertain significance. Last evaluated: 2024-01-06. Review status: criteria provided, single submitter. Criteria: Ambry Variant Classification Scheme 2023. Collection method: clinical testing. Allele origin: germline.
Comment: The p.A171T variant (also known as c.511G>A), located in coding exon 5 of the PDLIM3 gene, results from a G to A substitution at nucleotide position 511. The alanine at codon 171 is replaced by threonine, an amino acid with similar properties. This amino acid position is conserved. In addition, this alteration is predicted to be tolerated by in silico analysis. Since supporting evidence is limited at this time, the clinical significance of this alteration remains unclear.